The following is an entry in ClinVar:

ClinVar aggregate classification (germline): Likely pathogenic. Review status: criteria provided, multiple submitters, no conflicts (2 of 4 stars). 5 submissions from 5 submitters: Likely pathogenic (4). 1 of the submissions does not count toward it. Last evaluated 2025-03-10.

Conditions:
Mucolipidosis. Also called: Mucolipidoses. Identifiers: Orphanet 79212, MedGen C0026697, MONDO:0019248.
Mucolipidosis type II. Also called: Mucolipidosis 2; ML 2; Inclusion cell disease; Leroy Disease; N-acetylglucosamine 1phosphotransferase deficiency; ML disorder type 2. Identifiers: Orphanet 576, MedGen C2673377, MONDO:0009650, OMIM 252500.
Pseudo-Hurler polydystrophy. Also called: Type III Mucolipidosis; ML IIIA; Mucolipidosis III Alpha/Beta; MUCOLIPIDOSIS IIIA; ML III; ML III ALPHA/BETA. Identifiers: Orphanet 423461, Orphanet 577, MedGen C0033788, MONDO:0018931, OMIM 252600.

Allele frequency attached by ClinVar (database versions not stated): TOPMed below 0.00001; gnomAD exomes below 0.00001; ExAC 0.00001.
gnomAD v4.1: 6 of 1,614,094 alleles (0.00037%); highest among the groups gnomAD compares: Non-Finnish European, 0.00042%; no homozygotes.

Submissions (5):

Natera, Inc.
Classification: Likely pathogenic for Mucolipidosis type II. Last evaluated: 2025-03-10. Review status: criteria provided, single submitter. Criteria: Natera Variant Classification Schema (03/2026). Collection method: clinical testing. Allele origin: germline.
Comment: The c.3053A>G variant in GNPTAB is a missense variant predicted to cause substitution of aspartic acid to glycine at amino acid 1018. This variant is rare in the general population with a frequency below the threshold expected for the associated phenotype(s). This variant has been observed in one or more individuals affected with the associated recessive disease, as either homozygous or compound heterozygous with a second variant (PMID: 19617216, 38837156). Functional studies show that this variant may disrupt protein function (PMID: 25505245). Computational prediction algorithms indicate this variant is likely to affect gene or protein function. Given the available evidence, this variant is classified as Likely Pathogenic.

Fulgent Genetics
Classification: Likely pathogenic for Mucolipidosis type II; Pseudo-Hurler polydystrophy. Last evaluated: 2024-05-01. Review status: criteria provided, single submitter. Criteria: ACMG Guidelines, 2015. Collection method: clinical testing. Allele origin: germline.

Women's Health and Genetics/Laboratory Corporation of America, LabCorp
Classification: Likely pathogenic for Mucolipidosis. Last evaluated: 2024-04-29. Review status: criteria provided, single submitter. Criteria: LabCorp Variant Classification Summary - May 2015. Collection method: clinical testing. Allele origin: germline.
Comment: Variant summary: GNPTAB c.3053A>G (p.Asp1018Gly) results in a non-conservative amino acid change located in the EF-hand domain (IPR002048) of the encoded protein sequence. Five of five in-silico tools predict a damaging effect of the variant on protein function. The variant allele was found at a frequency of 4e-06 in 251364 control chromosomes (gnomAD). c.3053A>G has been reported in the literature in an individual affected with Mucolipidosis (example: Cathey_2010). These data indicate that the variant may be associated with disease. At least one publication reports experimental evidence evaluating an impact on protein function. The most pronounced variant effect results in <10% of normal activity (Qian_2015). The following publications have been ascertained in the context of this evaluation (PMID: 19617216, 25505245, 30882951). ClinVar contains an entry for this variant (Variation ID: 41256). Based on the evidence outlined above, the variant was classified as likely pathogenic.

Labcorp Genetics (formerly Invitae), Labcorp
Classification: Likely pathogenic for Pseudo-Hurler polydystrophy; Mucolipidosis type II. Last evaluated: 2024-03-24. Review status: criteria provided, single submitter. Criteria: Invitae Variant Classification Sherloc (09022015). Collection method: clinical testing. Allele origin: germline.
Comment: This sequence change replaces aspartic acid, which is acidic and polar, with glycine, which is neutral and non-polar, at codon 1018 of the GNPTAB protein (p.Asp1018Gly). This variant is present in population databases (rs281865007, gnomAD 0.0009%). This missense change has been observed in individuals with GNPTAB-related conditions (PMID: 19617216; Invitae). ClinVar contains an entry for this variant (Variation ID: 41256). Advanced modeling of protein sequence and biophysical properties (such as structural, functional, and spatial information, amino acid conservation, physicochemical variation, residue mobility, and thermodynamic stability) performed at Invitae indicates that this missense variant is expected to disrupt GNPTAB protein function with a positive predictive value of 80%. Experimental studies have shown that this missense change affects GNPTAB function (PMID: 25505245). This variant disrupts the p.Asp1018 amino acid residue in GNPTAB. Other variant(s) that disrupt this residue have been observed in individuals with GNPTAB-related conditions (PMID: 19617216, 29872134), which suggests that this may be a clinically significant amino acid residue. In summary, the currently available evidence indicates that the variant is pathogenic, but additional data are needed to prove that conclusively. Therefore, this variant has been classified as Likely Pathogenic.

GeneReviews
No classification provided. Condition: Mucolipidosis type II. Review status: no classification provided. Collection method: literature only. Allele origin: unknown. Not counted in ClinVar's aggregate classification.

Literature cited by the submitters: PubMed 19617216 (cited by 4 submitters); PubMed 38837156 (cited by Natera, Inc.); PubMed 25505245 (cited by 3 submitters); PubMed 30882951 (cited by Women's Health and Genetics/Laboratory Corporation of America, LabCorp); PubMed 29872134 (cited by Labcorp Genetics (formerly Invitae), Labcorp); PubMed 20301728 (cited by GeneReviews); NCBI Bookshelf NBK1828 (cited by GeneReviews).

NM_024312.5(GNPTAB):c.3053A>G (p.Asp1018Gly)

Gene: GNPTAB (N-acetylglucosamine-1-phosphate transferase subunits alpha and beta; minus strand). Cytogenetic location: 12q23.2.
Variant type: single nucleotide variant.
Coding change: c.3053A>G on transcript NM_024312.5 (MANE Select); coding-DNA position 3053, A replaced by G.
Protein change: p.Asp1018Gly; replaces aspartic acid 1018 with glycine.
Molecular consequence: missense variant.
Genome position (GRCh38, 1-based): chr12:101,761,209, T>C on the plus strand (A>G on the coding strand, the complement: GNPTAB is on the minus strand). VCF-style: chr12-101761209-T-C. GRCh37 (hg19) VCF-style: chr12-102154987-T-C.
Other names: short protein forms D1018G.
Identifiers: ClinVar variation 41256 (VCV000041256.15), dbSNP rs281865007, ClinGen allele CA344273.